The following is an entry in ClinVar:

ClinVar aggregate classification (germline): Likely pathogenic (1 of 4 stars; one submission).

Conditions:
LAMB2-related infantile-onset nephrotic syndrome. Also called: NEPHROTIC SYNDROME, TYPE 5, WITHOUT OCULAR ABNORMALITIES; NEPHROTIC SYNDROME, TYPE 5, WITH OCULAR ABNORMALITIES; Nephrotic Syndrome, type 5. Identifiers: Orphanet 306507, MedGen C3280113, MONDO:0013621, OMIM 614199.
Pierson syndrome. Also called: MICROCORIA-CONGENITAL NEPHROTIC SYNDROME. Identifiers: Orphanet 2670, MedGen C1836876, MONDO:0012184, OMIM 609049.

gnomAD v4.1: 1 of 1,614,196 alleles (0.000062%); highest among the groups gnomAD compares: Admixed American, 0.0017%; no homozygotes.

Submission:

Labcorp Genetics (formerly Invitae), Labcorp
Classification: Likely pathogenic for LAMB2-related infantile-onset nephrotic syndrome; Pierson syndrome. Last evaluated: 2025-10-20. Review status: criteria provided, single submitter. Criteria: Invitae Variant Classification Sherloc (09022015). Collection method: clinical testing. Allele origin: germline.
Comment: This sequence change affects a donor splice site in intron 16 of the LAMB2 gene. It is expected to disrupt RNA splicing. Variants that disrupt the donor or acceptor splice site typically lead to a loss of protein function (PMID: 16199547), and loss-of-function variants in LAMB2 are known to be pathogenic (PMID: 15367484). This variant is present in population databases (no rsID available, gnomAD 0.003%). This variant has not been reported in the literature in individuals affected with LAMB2-related conditions. Algorithms developed to predict the effect of sequence changes on RNA splicing suggest that this variant may disrupt the consensus splice site. In summary, the currently available evidence indicates that the variant is pathogenic, but additional data are needed to prove that conclusively. Therefore, this variant has been classified as Likely Pathogenic.

Literature cited by the submitters: PubMed 16199547; PubMed 15367484.

NM_002292.4(LAMB2):c.2151+1G>A

Gene: LAMB2 (laminin subunit beta 2; minus strand). Cytogenetic location: 3p21.31.
Variant type: single nucleotide variant.
Coding change: c.2151+1G>A on transcript NM_002292.4 (MANE Select); the canonical splice donor site of the intron after coding-DNA position 2151, G replaced by A.
Molecular consequence: splice donor variant.
Genome position (GRCh38, 1-based): chr3:49,126,364, C>T on the plus strand (G>A on the coding strand, the complement: LAMB2 is on the minus strand). VCF-style: chr3-49126364-C-T. GRCh37 (hg19) VCF-style: chr3-49163797-C-T.
Identifiers: ClinVar variation 4788012 (VCV004788012.1).